The following is an entry in ClinVar:

ClinVar aggregate classification (germline): Uncertain significance (1 of 4 stars; one submission).

Conditions:
Cornelia de Lange syndrome 3 (CDLS3). Also called: SMC3-Related Cornelia de Lange Syndrome; CORNELIA DE LANGE SYNDROME 3 WITH OR WITHOUT MIDLINE BRAIN DEFECTS. Identifiers: Orphanet 199, MedGen C1853099, MONDO:0012555, OMIM 610759.

Submission:

Labcorp Genetics (formerly Invitae), Labcorp
Classification: Uncertain significance for Cornelia de Lange syndrome 3. Last evaluated: 2024-03-20. Review status: criteria provided, single submitter. Criteria: Invitae Variant Classification Sherloc (09022015). Collection method: clinical testing. Allele origin: germline.
Comment: This sequence change replaces methionine, which is neutral and non-polar, with threonine, which is neutral and polar, at codon 147 of the SMC3 protein (p.Met147Thr). This variant is not present in population databases (gnomAD no frequency). This variant has not been reported in the literature in individuals affected with SMC3-related conditions. Advanced modeling of protein sequence and biophysical properties (such as structural, functional, and spatial information, amino acid conservation, physicochemical variation, residue mobility, and thermodynamic stability) performed at Invitae indicates that this missense variant is not expected to disrupt SMC3 protein function with a negative predictive value of 80%. In summary, the available evidence is currently insufficient to determine the role of this variant in disease. Therefore, it has been classified as a Variant of Uncertain Significance.

NM_005445.4(SMC3):c.440T>C (p.Met147Thr)

Gene: SMC3 (structural maintenance of chromosomes 3; plus strand). Cytogenetic location: 10q25.2.
Variant type: single nucleotide variant.
Coding change: c.440T>C on transcript NM_005445.4 (MANE Select); coding-DNA position 440, T replaced by C.
Protein change: p.Met147Thr; replaces methionine 147 with threonine.
Molecular consequence: missense variant.
Genome position (GRCh38, 1-based): chr10:110,580,914, T>C. VCF-style: chr10-110580914-T-C. GRCh37 (hg19) VCF-style: chr10-112340672-T-C.
Other names: short protein forms M147T.
Identifiers: ClinVar variation 3646963 (VCV003646963.2).
Genomic context (GRCh38, chr10:110,580,914, plus strand): 5'-CTTAAACGGAGGCTACAGCTATGTAATGATTATTTTTCTAAAAATTTTAGATCAACCAGA[T>C]GGCAACAGCACCAGATTCTCAGAGATTAAAGCTATTAAGAGAAGTAGCTGGTACTAGAGT-3'
Protein context (NP_005436.1, residues 137-157): YIVKQGKINQ[Met147Thr]ATAPDSQRLK